The following is an entry in ClinVar:

ClinVar aggregate classification (germline): Uncertain significance (1 of 4 stars; one submission).

Submission:

GeneDx
Classification: Uncertain significance. Last evaluated: 2025-12-29. Review status: criteria provided, single submitter. Criteria: GeneDx Variant Classification Process June 2021. Collection method: clinical testing. Allele origin: germline.
Comment: Not observed at significant frequency in large population cohorts (gnomAD); In silico analysis supports that this missense variant has a deleterious effect on protein structure/function; Has not been previously published as pathogenic or benign to our knowledge

NM_000142.5(FGFR3):c.2229G>C (p.Gln743His)

Gene: FGFR3 (fibroblast growth factor receptor 3; plus strand). Cytogenetic location: 4p16.3.
Variant type: single nucleotide variant.
Coding change: c.2229G>C on transcript NM_000142.5 (MANE Select); coding-DNA position 2229, G replaced by C.
Protein change: p.Gln743His; replaces glutamine 743 with histidine.
Molecular consequence: missense variant. On other transcripts: non-coding transcript variant (1).
Genome position (GRCh38, 1-based): chr4:1,806,889, G>C. VCF-style: chr4-1806889-G-C. GRCh37 (hg19) VCF-style: chr4-1808616-G-C.
Other names: c.2235G>C, p.Gln745His (NM_001163213.2); c.2232G>C, p.Gln744His (NM_001354809.2); c.2161G>C, p.Ala721Pro (NM_001354810.2); c.1893G>C, p.Gln631His (NM_022965.4); short protein forms A721P, Q631H, Q743H, Q744H, Q745H.
Identifiers: ClinVar variation 3342769 (VCV003342769.2).